The following is an entry in ClinVar:

ClinVar aggregate classification (germline): Pathogenic. Review status: criteria provided, multiple submitters, no conflicts (2 of 4 stars). 2 submissions from 2 submitters: Pathogenic (2). Last evaluated 2026-01-27.

Conditions:
Schimke immuno-osseous dysplasia (SIOD). Also called: Schimke Immunoosseous Dysplasia. Identifiers: Orphanet 1830, MedGen C0877024, MONDO:0009458, OMIM 242900.

Allele frequency attached by ClinVar (database versions not stated): gnomAD exomes 0.00001; ExAC 0.00002.
gnomAD v4.1: 15 of 1,613,940 alleles (0.00093%); highest among the groups gnomAD compares: Admixed American, 0.0017%; no homozygotes.

Submissions (2):

Labcorp Genetics (formerly Invitae), Labcorp
Classification: Pathogenic for Schimke immuno-osseous dysplasia. Last evaluated: 2026-01-27. Review status: criteria provided, single submitter. Criteria: Invitae Variant Classification Sherloc (09022015). Collection method: clinical testing. Allele origin: germline.
Comment: This sequence change replaces arginine, which is basic and polar, with histidine, which is basic and polar, at codon 561 of the SMARCAL1 protein (p.Arg561His). This variant is present in population databases (rs760664233, gnomAD 0.003%). This missense change has been observed in individuals with nephrotic syndrome and/or Schimke immunoosseous dysplasia (PMID: 20179009, 22998683, 23359635, 32604935, 33203071). It has also been observed to segregate with disease in related individuals. ClinVar contains an entry for this variant (Variation ID: 2202543). Invitae Evidence Modeling of protein sequence and biophysical properties (such as structural, functional, and spatial information, amino acid conservation, physicochemical variation, residue mobility, and thermodynamic stability) indicates that this missense variant is expected to disrupt SMARCAL1 protein function with a positive predictive value of 80%. This variant disrupts the p.Arg561 amino acid residue in SMARCAL1. Other variant(s) that disrupt this residue have been observed in individuals with SMARCAL1-related conditions (PMID: 16237566), which suggests that this may be a clinically significant amino acid residue. For these reasons, this variant has been classified as Pathogenic.

Natera, Inc.
Classification: Pathogenic for Schimke immuno-osseous dysplasia. Last evaluated: 2024-08-01. Review status: criteria provided, single submitter. Criteria: Natera Variant Classification Schema (03/2026). Collection method: clinical testing. Allele origin: germline.
Comment: The c.1682G>A variant in SMARCAL1 is a missense variant predicted to cause substitution of arginine to histidine at amino acid 561. This variant is rare in the general population with a frequency below the threshold expected for the associated phenotype(s). This variant has been observed in one or more individuals affected with the associated recessive disease, as either homozygous or compound heterozygous with a second variant (PMID: 20179009, 37850020, 33203071, 23359635, 32604935). This variant has been observed to segregate in affected family members (PMID: 33203071). A different variant at the same position has been determined to be Pathogenic or Likely Pathogenic. Computational prediction algorithms indicate this variant is likely to affect gene or protein function. Given the available evidence, this variant is classified as Pathogenic.

Literature cited by the submitters: PubMed 20179009 (cited by Labcorp Genetics (formerly Invitae), Labcorp and Natera, Inc.); PubMed 22998683 (cited by Labcorp Genetics (formerly Invitae), Labcorp); PubMed 23359635 (cited by Labcorp Genetics (formerly Invitae), Labcorp and Natera, Inc.); PubMed 32604935 (cited by Labcorp Genetics (formerly Invitae), Labcorp and Natera, Inc.); PubMed 33203071 (cited by Labcorp Genetics (formerly Invitae), Labcorp and Natera, Inc.); PubMed 16237566 (cited by Labcorp Genetics (formerly Invitae), Labcorp); PubMed 37850020 (cited by Natera, Inc.).

NM_014140.4(SMARCAL1):c.1682G>A (p.Arg561His)

Gene: SMARCAL1 (SNF2 related chromatin remodeling annealing helicase 1; plus strand). Cytogenetic location: 2q35.
Variant type: single nucleotide variant.
Coding change: c.1682G>A on transcript NM_014140.4 (MANE Select); coding-DNA position 1682, G replaced by A.
Protein change: p.Arg561His; replaces arginine 561 with histidine.
Molecular consequence: missense variant.
Genome position (GRCh38, 1-based): chr2:216,438,457, G>A. VCF-style: chr2-216438457-G-A. GRCh37 (hg19) VCF-style: chr2-217303180-G-A.
Other names: c.1682G>A, p.Arg561His (NM_001127207.2); short protein forms R561H.
Identifiers: ClinVar variation 2202543 (VCV002202543.6), dbSNP rs760664233, ClinGen allele CA2097962.